The following is an entry in ClinVar:

NM_000460.4(THPO):c.396+54C>A

Gene: THPO (thrombopoietin; minus strand). Cytogenetic location: 3q27.1.
Variant type: single nucleotide variant.
Coding change: c.396+54C>A on transcript NM_000460.4 (MANE Select); 54 bases into the intron after coding-DNA position 396, C replaced by A.
Molecular consequence: intron variant.
Genome position (GRCh38, 1-based): chr3:184,373,361, G>T on the plus strand (C>A on the coding strand, the complement: THPO is on the minus strand). VCF-style: chr3-184373361-G-T. GRCh37 (hg19) VCF-style: chr3-184091149-G-T.
Other names: c.396+54C>A (NM_001290028.1, NM_001290026.1, NM_001290022.1 and 5 more transcripts); c.816+54C>A (NM_001290003.1).
Identifiers: ClinVar variation 1261007 (VCV001261007.3), dbSNP rs6142, ClinGen allele CA2734967.

ClinVar aggregate classification (germline): Benign. Review status: criteria provided, multiple submitters, no conflicts (2 of 4 stars). 2 submissions from 2 submitters: Benign (2). Last evaluated 2018-11-08.

Allele frequency attached by ClinVar (database versions not stated): gnomAD exomes 0.34869 and 0.38716; ExAC 0.36191; 1000 Genomes Project 0.37061; 1000 Genomes Project 30x 0.38164; gnomAD 0.42470 and 0.43271; TOPMed 0.43627.

Submissions (2):

GeneDx
Classification: Benign. Last evaluated: 2018-11-08. Review status: criteria provided, single submitter. Criteria: GeneDx Variant Classification Process June 2021. Collection method: clinical testing. Allele origin: germline. Affected: yes.
Comment: This variant is associated with the following publications: (PMID: 11257273)

Breakthrough Genomics
Classification: Benign. Review status: criteria provided, single submitter. Criteria: ACMG Guidelines, 2015. Collection method: not provided. Allele origin: germline. Inheritance: Autosomal dominant inheritance. Affected: yes.